The following is an entry in ClinVar:

ClinVar aggregate classification (germline): Uncertain significance. Review status: criteria provided, multiple submitters, no conflicts (2 of 4 stars). 2 submissions from 2 submitters: Uncertain significance (2). Last evaluated 2024-01-04.

Conditions:
Congenital muscular dystrophy due to integrin alpha-7 deficiency. Also called: MYOPATHY, CONGENITAL, DUE TO INTEGRIN ALPHA-7 DEFICIENCY; Congenital muscular dystrophy with integrin alpha-7 deficiency; Muscular dystrophy, congenital, due to ITGA7 deficiency. Identifiers: Orphanet 34520, MedGen C2750786, MONDO:0013177, OMIM 613204.

Allele frequency attached by ClinVar (database versions not stated): gnomAD exomes below 0.00001 and 0.00002; ExAC 0.00002; gnomAD 0.00004 and 0.00005; TOPMed 0.00005; ESP Exome Variant Server 0.00015.
gnomAD v4.1: 15 of 1,614,118 alleles (0.00093%); highest among the groups gnomAD compares: African/African-American, 0.013%; no homozygotes.

Submissions (2):

Ambry Genetics
Classification: Uncertain significance. Last evaluated: 2024-01-04. Review status: criteria provided, single submitter. Criteria: Ambry Variant Classification Scheme 2023. Collection method: clinical testing. Allele origin: germline.

Labcorp Genetics (formerly Invitae), Labcorp
Classification: Uncertain significance for Congenital muscular dystrophy due to integrin alpha-7 deficiency. Last evaluated: 2022-05-05. Review status: criteria provided, single submitter. Criteria: Invitae Variant Classification Sherloc (09022015). Collection method: clinical testing. Allele origin: germline.
Comment: In summary, the available evidence is currently insufficient to determine the role of this variant in disease. Therefore, it has been classified as a Variant of Uncertain Significance. Algorithms developed to predict the effect of missense changes on protein structure and function (SIFT, PolyPhen-2, Align-GVGD) all suggest that this variant is likely to be tolerated. ClinVar contains an entry for this variant (Variation ID: 956040). This variant has not been reported in the literature in individuals affected with ITGA7-related conditions. This variant is present in population databases (rs112392939, gnomAD 0.01%). This sequence change replaces isoleucine, which is neutral and non-polar, with threonine, which is neutral and polar, at codon 997 of the ITGA7 protein (p.Ile997Thr).

NM_002206.3(ITGA7):c.2990T>C (p.Ile997Thr)

Gene: ITGA7 (integrin subunit alpha 7; minus strand). Cytogenetic location: 12q13.2.
Variant type: single nucleotide variant.
Coding change: c.2990T>C on transcript NM_002206.3 (MANE Select); coding-DNA position 2990, T replaced by C.
Protein change: p.Ile997Thr; replaces isoleucine 997 with threonine.
Molecular consequence: missense variant.
Genome position (GRCh38, 1-based): chr12:55,688,269, A>G on the plus strand (T>C on the coding strand, the complement: ITGA7 is on the minus strand). VCF-style: chr12-55688269-A-G. GRCh37 (hg19) VCF-style: chr12-56082053-A-G.
Other names: c.3002T>C, p.Ile1001Thr (NM_001144996.2); c.2711T>C, p.Ile904Thr (NM_001144997.2); c.2663T>C, p.Ile888Thr (NM_001367993.1); c.1646T>C, p.Ile549Thr (NM_001367994.1); c.2972T>C, p.Ile991Thr (NM_001374465.1); c.3122T>C, p.Ile1041Thr (NM_001410977.1); c.2984T>C, p.Ile995Thr (NM_001414029.1); c.2915T>C, p.Ile972Thr (NM_001414030.1); and 5 more; short protein forms I1001T, I991T, I888T, I904T, I549T, I997T, I1041T, I972T.
Identifiers: ClinVar variation 956040 (VCV000956040.8), dbSNP rs112392939, ClinGen allele CA6615380.